The following is an entry in ClinVar:

ClinVar aggregate classification (germline): Benign/Likely benign. Review status: criteria provided, multiple submitters, no conflicts (2 of 4 stars). 3 submissions from 3 submitters: Benign (1); Likely benign (2). Last evaluated 2026-02-18.

Conditions:
TYRP1-related disorder. Also called: TYRP1-related condition.

Allele frequency attached by ClinVar (database versions not stated): TOPMed 0.00006; ESP Exome Variant Server 0.00008; 1000 Genomes Project 30x 0.00016; 1000 Genomes Project 0.00020; ExAC 0.00041; gnomAD 0.00046 and 0.00048; gnomAD exomes 0.00051.
gnomAD v4.1: 401 of 1,612,726 alleles (0.025%); highest among the groups gnomAD compares: Non-Finnish European, 0.0065%; 1 homozygote.

Submissions (3):

PreventionGenetics, part of Exact Sciences
Classification: Likely benign for TYRP1-related condition. Last evaluated: 2026-02-18. Review status: criteria provided, single submitter. Criteria: ACMG Guidelines, 2015. Collection method: clinical testing. Allele origin: germline.
Comment: This variant is classified as likely benign based on ACMG/AMP sequence variant interpretation guidelines (Richards et al. 2015 PMID: 25741868, with internal and published modifications).

Labcorp Genetics (formerly Invitae), Labcorp
Classification: Likely benign. Last evaluated: 2025-11-24. Review status: criteria provided, single submitter. Criteria: Invitae Variant Classification Sherloc (09022015). Collection method: clinical testing. Allele origin: germline.

Blueprint Genetics
Classification: Benign. Last evaluated: 2024-09-13. Review status: criteria provided, single submitter. Criteria: ACMG Guidelines, 2015. Collection method: clinical testing. Allele origin: germline.

NM_000550.3(TYRP1):c.1514G>A (p.Arg505His)

Genes: LURAP1L-AS1 (LURAP1L antisense RNA 1; minus strand), TYRP1 (tyrosinase related protein 1; plus strand). Cytogenetic location: 9p23.
Variant type: single nucleotide variant.
Coding change: c.1514G>A on transcript NM_000550.3 (MANE Select); coding-DNA position 1514, G replaced by A.
Protein change: p.Arg505His; replaces arginine 505 with histidine.
Molecular consequence: missense variant.
Genome position (GRCh38, 1-based): chr9:12,709,082, G>A. VCF-style: chr9-12709082-G-A. GRCh37 (hg19) VCF-style: chr9-12709082-G-A.
Other names: c.1514G>A (NM_000550.2); short protein forms R505H.
Identifiers: ClinVar variation 1637081 (VCV001637081.10), dbSNP rs150899857, ClinGen allele CA4985605.
Genomic context (GRCh38, chr9:12,709,082, plus strand): 5'-GCGCTTTGTTACTGGTTGCACTCATTTTTGGGACTGCTTCTTATCTGATTCGTGCCAGAC[G>A]CAGTATGGATGAAGCTAACCAGCCTCTCCTCACTGATCAGTATCAATGCTATGCTGAAGA-3'
Protein context (NP_000541.1, residues 495-515): GTASYLIRAR[Arg505His]SMDEANQPLL